The following is an entry in ClinVar:

ClinVar aggregate classification (germline): Uncertain significance (1 of 4 stars; one submission).

Conditions:
Infantile spasms. Also called: Infantile spasm. Identifiers: MedGen C3887898, HP:0012469.

Allele frequency attached by ClinVar (database versions not stated): TOPMed below 0.00001; gnomAD 0.00001.
gnomAD v4.1: 3 of 1,613,912 alleles (0.00019%); highest among the groups gnomAD compares: Non-Finnish European, 0.000085%; no homozygotes.

Submission:

Labcorp Genetics (formerly Invitae), Labcorp
Classification: Uncertain significance for Infantile spasms. Last evaluated: 2018-03-05. Review status: criteria provided, single submitter. Criteria: Invitae Variant Classification Sherloc (09022015). Collection method: clinical testing. Allele origin: germline.
Comment: This sequence change replaces threonine with methionine at codon 602 of the PIK3AP1 protein (p.Thr602Met). The threonine residue is highly conserved and there is a moderate physicochemical difference between threonine and methionine. This variant is not present in population databases (ExAC no frequency). This variant has not been reported in the literature in individuals with PIK3AP1-related disease. Algorithms developed to predict the effect of missense changes on protein structure and function do not agree on the potential impact of this missense change (SIFT: "Deleterious"; PolyPhen-2: "Probably Damaging"; Align-GVGD: "Class C15"). In summary, the available evidence is currently insufficient to determine the role of this variant in disease. Therefore, it has been classified as a Variant of Uncertain Significance.

NM_152309.3(PIK3AP1):c.1805C>T (p.Thr602Met)

Gene: PIK3AP1 (phosphoinositide-3-kinase adaptor protein 1; minus strand). Cytogenetic location: 10q24.1.
Variant type: single nucleotide variant.
Coding change: c.1805C>T on transcript NM_152309.3 (MANE Select); coding-DNA position 1805, C replaced by T.
Protein change: p.Thr602Met; replaces threonine 602 with methionine.
Molecular consequence: missense variant.
Genome position (GRCh38, 1-based): chr10:96,620,488, G>A on the plus strand (C>T on the coding strand, the complement: PIK3AP1 is on the minus strand). VCF-style: chr10-96620488-G-A. GRCh37 (hg19) VCF-style: chr10-98380245-G-A.
Other names: short protein forms T602M.
Identifiers: ClinVar variation 572190 (VCV000572190.1), dbSNP rs1018719222, ClinGen allele CA212602046.
Genomic context (GRCh38, chr10:96,620,488, plus strand): 5'-ACGTTGACAATGCCCAGCTTCACCTGCTCCTGGAGGGTGATAAGCTGCCGCTGGCCTGGC[G>A]TTTTCATTCCCGCAAAAGGGTCATATATACTCGACTGGGGCCTGTCCCTCCATGGTCTGA-3'
Protein context (NP_689522.2, residues 592-612): SIYDPFAGMK[Thr602Met]PGQRQLITLQ